The following is an entry in ClinVar:

NM_003661.4(APOL1):c.320A>T (p.Glu107Val)

Gene: APOL1 (apolipoprotein L1; plus strand). Cytogenetic location: 22q12.3.
Variant type: single nucleotide variant.
Coding change: c.320A>T on transcript NM_003661.4 (MANE Select); coding-DNA position 320, A replaced by T.
Protein change: p.Glu107Val; replaces glutamic acid 107 with valine.
Molecular consequence: missense variant.
Genome position (GRCh38, 1-based): chr22:36,265,156, A>T. VCF-style: chr22-36265156-A-T. GRCh37 (hg19) VCF-style: chr22-36661202-A-T.
Other names: c.320A>T, p.Glu107Val (NM_001136540.2); c.266A>T, p.Glu89Val (NM_001136541.2, NM_001362927.2); c.368A>T, p.Glu123Val (NM_145343.3); short protein forms E107V, E123V, E89V.
Identifiers: ClinVar variation 1054242 (VCV001054242.9), dbSNP rs780653482, ClinGen allele CA10208660.

ClinVar aggregate classification (germline): Uncertain significance (1 of 4 stars; one submission).

Allele frequency attached by ClinVar (database versions not stated): gnomAD 0.00001; TOPMed 0.00001.

Submission:

Labcorp Genetics (formerly Invitae), Labcorp
Classification: Uncertain significance. Last evaluated: 2022-02-08. Review status: criteria provided, single submitter. Criteria: Invitae Variant Classification Sherloc (09022015). Collection method: clinical testing. Allele origin: germline.
Comment: Algorithms developed to predict the effect of missense changes on protein structure and function are either unavailable or do not agree on the potential impact of this missense change (SIFT: "Deleterious"; PolyPhen-2: "Probably Damaging"; Align-GVGD: "Class C0"). This sequence change replaces glutamic acid, which is acidic and polar, with valine, which is neutral and non-polar, at codon 107 of the APOL1 protein (p.Glu107Val). This variant is present in population databases (rs780653482, gnomAD 0.01%). This variant has not been reported in the literature in individuals affected with APOL1-related conditions. ClinVar contains an entry for this variant (Variation ID: 1054242). In summary, the available evidence is currently insufficient to determine the role of this variant in disease. Therefore, it has been classified as a Variant of Uncertain Significance.